The following is an entry in ClinVar:

NM_000255.4(MMUT):c.2159A>G (p.Asn720Ser)

Gene: MMUT (methylmalonyl-CoA mutase; minus strand). Cytogenetic location: 6p12.3.
Variant type: single nucleotide variant.
Coding change: c.2159A>G on transcript NM_000255.4 (MANE Select); coding-DNA position 2159, A replaced by G.
Protein change: p.Asn720Ser; replaces asparagine 720 with serine.
Molecular consequence: missense variant.
Genome position (GRCh38, 1-based): chr6:49,431,822, T>C on the plus strand (A>G on the coding strand, the complement: MMUT is on the minus strand). VCF-style: chr6-49431822-T-C. GRCh37 (hg19) VCF-style: chr6-49399535-T-C.
Other names: short protein forms N720S.
Identifiers: ClinVar variation 1986659 (VCV001986659.1), dbSNP rs1170712107, ClinGen allele CA364583015.
Genomic context (GRCh38, chr6:49,431,822, plus strand): 5'-TCAATATCATCAAGCACCTGAACGGCAGCCTTTGGAATTCGAGTCCCAGGACCAAATACA[T>C]TGGAAACACCAACTTCAAACAGAAATTCATAATCCTGTTGAAAGAATGTGTTTAATTAAT-3'
Protein context (NP_000246.2, residues 710-730): YEFLFEVGVS[Asn720Ser]VFGPGTRIPK

ClinVar aggregate classification (germline): Uncertain significance (1 of 4 stars; one submission).

Allele frequency attached by ClinVar (database versions not stated): TOPMed below 0.00001.

Submission:

Labcorp Genetics (formerly Invitae), Labcorp
Classification: Uncertain significance. Last evaluated: 2021-12-23. Review status: criteria provided, single submitter. Criteria: Invitae Variant Classification Sherloc (09022015). Collection method: clinical testing. Allele origin: germline.
Comment: This sequence change replaces asparagine, which is neutral and polar, with serine, which is neutral and polar, at codon 720 of the MUT protein (p.Asn720Ser). This variant is present in population databases (no rsID available, gnomAD 0.003%). This variant has not been reported in the literature in individuals affected with MUT-related conditions. Algorithms developed to predict the effect of missense changes on protein structure and function (SIFT, PolyPhen-2, Align-GVGD) all suggest that this variant is likely to be tolerated. Algorithms developed to predict the effect of sequence changes on RNA splicing suggest that this variant may create or strengthen a splice site. In summary, the available evidence is currently insufficient to determine the role of this variant in disease. Therefore, it has been classified as a Variant of Uncertain Significance.